The following is an entry in ClinVar:

NM_001378454.1(ALMS1):c.2284A>G (p.Ser762Gly)

Gene: ALMS1 (ALMS1 centrosome and basal body associated protein; plus strand). Cytogenetic location: 2p13.1.
Variant type: single nucleotide variant.
Coding change: c.2284A>G on transcript NM_001378454.1 (MANE Select); coding-DNA position 2284, A replaced by G.
Protein change: p.Ser762Gly; replaces serine 762 with glycine.
Molecular consequence: missense variant.
Genome position (GRCh38, 1-based): chr2:73,448,811, A>G. VCF-style: chr2-73448811-A-G. GRCh37 (hg19) VCF-style: chr2-73675938-A-G.
Other names: c.2287A>G, p.Ser763Gly (NM_015120.4); short protein forms S762G, S763G.
Identifiers: ClinVar variation 2144295 (VCV002144295.1), dbSNP rs749520351, ClinGen allele CA1713317.

ClinVar aggregate classification (germline): Uncertain significance (1 of 4 stars; one submission).

Conditions:
Alstrom syndrome (ALMS). Identifiers: Orphanet 64, MedGen C0268425, MONDO:0008763, OMIM 203800.

Allele frequency attached by ClinVar (database versions not stated): gnomAD exomes 0.00001; TOPMed 0.00001; ExAC 0.00002.
gnomAD v4.1: 4 of 1,614,056 alleles (0.00025%); highest among the groups gnomAD compares: East Asian, 0.0067%; no homozygotes.

Submission:

Labcorp Genetics (formerly Invitae), Labcorp
Classification: Uncertain significance for Alstrom syndrome. Last evaluated: 2021-08-23. Review status: criteria provided, single submitter. Criteria: Invitae Variant Classification Sherloc (09022015). Collection method: clinical testing. Allele origin: germline.
Comment: This sequence change replaces serine with glycine at codon 763 of the ALMS1 protein (p.Ser763Gly). The serine residue is moderately conserved and there is a small physicochemical difference between serine and glycine. This variant is present in population databases (rs749520351, ExAC 0.02%). This variant has not been reported in the literature in individuals affected with ALMS1-related conditions. Experimental studies and prediction algorithms are not available or were not evaluated, and the functional significance of this variant is currently unknown. In summary, the available evidence is currently insufficient to determine the role of this variant in disease. Therefore, it has been classified as a Variant of Uncertain Significance.